The following is an entry in ClinVar:

NM_001393937.1(MICAL2):c.3909G>A (p.Pro1303=)

Genes: MICAL2 (microtubule associated monooxygenase, calponin and LIM domain containing 2; plus strand), MICALCL (MICAL C-terminal like; plus strand). Cytogenetic location: 11p15.3.
Variant type: single nucleotide variant.
Coding change: c.3909G>A on transcript NM_001393937.1; coding-DNA position 3909, G replaced by A.
Protein change: p.Pro1303=; no amino-acid change (proline 1303 retained).
Molecular consequence: synonymous variant.
Genome position (GRCh38, 1-based): chr11:12,292,291, G>A. VCF-style: chr11-12292291-G-A. GRCh37 (hg19) VCF-style: chr11-12313838-G-A.
Identifiers: ClinVar variation 5040919 (VCV005040919.1).

ClinVar aggregate classification (germline): Likely benign (1 of 4 stars; one submission).

gnomAD v4.1: 205 of 1,613,728 alleles (0.013%); highest among the groups gnomAD compares: Non-Finnish European, 0.016%; no homozygotes.

Submission:

CeGaT Center for Human Genetics Tuebingen
Classification: Likely benign. Last evaluated: 2026-09-01. Review status: criteria provided, single submitter. Criteria: CeGaT Center For Human Genetics Tuebingen Variant Classification Criteria Version 2. Collection method: clinical testing. Allele origin: germline. Affected: yes. Observed: 1 variant allele.
Comment: MICALCL: BP4, BP7